The following is an entry in ClinVar:

ClinVar aggregate classification (germline): Likely benign. Review status: criteria provided, multiple submitters, no conflicts (2 of 4 stars). 3 submissions from 3 submitters: Likely benign (3). Last evaluated 2026-07-01.

Allele frequency attached by ClinVar (database versions not stated): gnomAD 0.00028 and 0.00044; ExAC 0.00056; TOPMed 0.00058; gnomAD exomes 0.00105; 1000 Genomes Project 30x 0.00359; 1000 Genomes Project 0.00379.
gnomAD v4.1: 416 of 1,541,962 alleles (0.027%); highest among the groups gnomAD compares: East Asian, 0.86%; 3 homozygotes.

Submissions (3):

CeGaT Center for Human Genetics Tuebingen
Classification: Likely benign. Last evaluated: 2026-07-01. Review status: criteria provided, single submitter. Criteria: CeGaT Center For Human Genetics Tuebingen Variant Classification Criteria Version 2. Collection method: clinical testing. Allele origin: germline. Affected: yes. Observed: 1 variant allele.
Comment: PTPRQ: BP4, BP7

Blueprint Genetics
Classification: Likely benign. Last evaluated: 2024-09-09. Review status: criteria provided, single submitter. Criteria: ACMG Guidelines, 2015. Collection method: clinical testing. Allele origin: germline.

GeneDx
Classification: Likely benign. Last evaluated: 2020-05-27. Review status: criteria provided, single submitter. Criteria: GeneDx Variant Classification Process June 2021. Collection method: clinical testing. Allele origin: germline. Affected: yes.

NM_001145026.2(PTPRQ):c.3726G>A (p.Pro1242=)

Gene: PTPRQ (protein tyrosine phosphatase receptor type Q; plus strand). Cytogenetic location: 12q21.31.
Variant type: single nucleotide variant.
Coding change: c.3726G>A on transcript NM_001145026.2 (MANE Select); coding-DNA position 3726, G replaced by A.
Protein change: p.Pro1242=; no amino-acid change (proline 1242 retained).
Molecular consequence: synonymous variant.
Genome position (GRCh38, 1-based): chr12:80,542,734, G>A. VCF-style: chr12-80542734-G-A. GRCh37 (hg19) VCF-style: chr12-80936513-G-A.
Identifiers: ClinVar variation 1191117 (VCV001191117.4), dbSNP rs147316024, ClinGen allele CA6702663.
Genomic context (GRCh38, chr12:80,542,734, plus strand): 5'-CTATTTTTATGTTAAAAGTTTTATGAATGTAAGTTTCTTCATGTGTTTTCCTACAGTGCC[G>A]TTAGCACCTCCACAAAATTTGACTTTAATCAACTGTACTTCAGACTTTGTATGGCTGAAA-3'
Protein context (NP_001138498.1, residues 1232-1252): ILFFYTDESV[Pro1242=]LAPPQNLTLI